The following is an entry in ClinVar:

NM_001165963.4(SCN1A):c.2518G>A (p.Val840Met)

Gene: SCN1A (sodium voltage-gated channel alpha subunit 1; minus strand). Cytogenetic location: 2q24.3.
Variant type: single nucleotide variant.
Coding change: c.2518G>A on transcript NM_001165963.4 (MANE Select); coding-DNA position 2518, G replaced by A.
Protein change: p.Val840Met; replaces valine 840 with methionine.
Molecular consequence: missense variant. On other transcripts: non-coding transcript variant (1).
Genome position (GRCh38, 1-based): chr2:166,039,494, C>T on the plus strand (G>A on the coding strand, the complement: SCN1A is on the minus strand). VCF-style: chr2-166039494-C-T. GRCh37 (hg19) VCF-style: chr2-166896004-C-T.
Other names: c.2434G>A, p.Val812Met (NM_001165964.3, NM_001353957.2, NM_001353958.2); c.2518G>A, p.Val840Met (NM_001202435.3, NM_001353948.2); c.2485G>A, p.Val829Met (NM_001353949.2, NM_001353950.2, NM_001353951.2 and 2 more transcripts); c.2482G>A, p.Val828Met (NM_001353954.2, NM_001353955.2); c.2431G>A, p.Val811Met (NM_001353960.2); c.76G>A, p.Val26Met (NM_001353961.2); short protein forms V811M, V840M, V26M, V812M, V828M, V829M.
Identifiers: ClinVar variation 647068 (VCV000647068.8), dbSNP rs1574192730, ClinGen allele CA349062558.

ClinVar aggregate classification (germline): Uncertain significance (1 of 4 stars; one submission).

Conditions:
Early-infantile DEE. Also called: Early infantile epileptic encephalopathy with suppression bursts; Early infantile epileptic encephalopathy; Ohtahara syndrome. Identifiers: Orphanet 1934, MedGen C0393706, MONDO:0800491.

Submission:

Labcorp Genetics (formerly Invitae), Labcorp
Classification: Uncertain significance for Early-infantile DEE. Last evaluated: 2018-10-15. Review status: criteria provided, single submitter. Criteria: Invitae Variant Classification Sherloc (09022015). Collection method: clinical testing. Allele origin: germline.
Comment: In summary, the available evidence is currently insufficient to determine the role of this variant in disease. Therefore, it has been classified as a Variant of Uncertain Significance. Algorithms developed to predict the effect of missense changes on protein structure and function are either unavailable or do not agree on the potential impact of this missense change (SIFT: "Deleterious"; PolyPhen-2: "Probably Damaging"; Align-GVGD: "Class C15"). This variant has been observed in one or more individuals who were not affected with SCN1A-related disease (Invitae). This variant is not present in population databases (ExAC no frequency). This sequence change replaces valine with methionine at codon 840 of the SCN1A protein (p.Val840Met). The valine residue is highly conserved and there is a small physicochemical difference between valine and methionine.